The following is an entry in ClinVar:

ClinVar aggregate classification (germline): Pathogenic. Review status: criteria provided, single submitter (1 of 4 stars). 2 submissions from 2 submitters: Pathogenic (1). 1 of the submissions does not count toward it. Last evaluated 2018-01-31.

Conditions:
COGNITIVE IMPAIRMENT WITHOUT CEREBELLAR ATAXIA.

Submissions (3):

GeneDx
Classification: Pathogenic. Last evaluated: 2018-01-31. Review status: criteria provided, single submitter. Criteria: GeneDx Variant Classification (06012015). Collection method: clinical testing. Allele origin: germline. Affected: yes.
Comment: The G964R variant in the SCN8A gene has been previously reported as a de novo variant by whole exome sequencing in a child with global developmental delay, hypotonia, borderline intellectual disability, social communication disorder, and attention deficit hyperactivity disorder (Wagnon et al., 2017). The G964R variant is not observed in large population cohorts (Lek et al., 2016). The G964R variant is a non-conservative amino acid substitution, which is likely to impact secondary protein structure as these residues differ in polarity, charge, size and/or other properties. Functional studies of G964R transfected cells showed a complete loss of sodium channel activity (Wagnon et al., 2017). We interpret G964R as a pathogenic variant.

OMIM
Classification: Pathogenic for COGNITIVE IMPAIRMENT WITHOUT CEREBELLAR ATAXIA. Last evaluated: 2019-03-29. Review status: no assertion criteria provided. Collection method: literature only. Allele origin: germline. Not counted in ClinVar's aggregate classification.

Channelopathy-Associated Epilepsy Research Center
No classification provided (evidence only). Condition: Complex neurodevelopmental disorder. Review status: no classification provided. Collection method: literature only. Allele origin: not applicable. Functional consequence: Absence of peak current, Overall loss-of-function effect with respect to biophysical channel activity. Not counted in ClinVar's aggregate classification.
ClinVar note: "not provided" was previously submitted as the classification for the variant. However, the classification appeared to be based only on an observation of functional data so it was converted to no classification on 2025-07-30.

Literature cited by the submitters: PubMed 28702509 (cited by OMIM and Channelopathy-Associated Epilepsy Research Center).

NM_001330260.2(SCN8A):c.2890G>C (p.Gly964Arg)

Gene: SCN8A (sodium voltage-gated channel alpha subunit 8; plus strand). Cytogenetic location: 12q13.13.
Variant type: single nucleotide variant.
Coding change: c.2890G>C on transcript NM_001330260.2 (MANE Select); coding-DNA position 2890, G replaced by C.
Protein change: p.Gly964Arg; replaces glycine 964 with arginine.
Molecular consequence: missense variant.
Genome position (GRCh38, 1-based): chr12:51,766,016, G>C. VCF-style: chr12-51766016-G-C. GRCh37 (hg19) VCF-style: chr12-52159800-G-C.
Other names: c.2890G>C, p.Gly964Arg (NM_001177984.3, NM_001369788.1, NM_014191.4); short protein forms G964R.
Identifiers: ClinVar variation 383545 (VCV000383545.5), dbSNP rs1057521662, ClinGen allele CA16607342.
Genomic context (GRCh38, chr12:51,766,016, plus strand): 5'-TGCATGGAAGTGGCAGGCCAGGCCATGTGCCTCATTGTCTTTATGATGGTCATGGTGATT[G>C]GCAACTTGGTGGTTAGTACTAATTTGTAGATATTTTTGTTCTACACCCTGAATATTCTAC-3'
Protein context (NP_001317189.1, residues 954-974): LIVFMMVMVI[Gly964Arg]NLVVLNLFLA